The following is an entry in ClinVar:

NM_001029896.2(WDR45):c.109_110insACCT (p.Leu37fs)

Genes: WDR45 (WD repeat domain 45; minus strand), LOC126863256 (BRD4-independent group 4 enhancer GRCh37_chrX:48934848-48936047; plus strand). Cytogenetic location: Xp11.23.
Variant type: Insertion.
Coding change: c.109_110insACCT on transcript NM_001029896.2 (MANE Select); coding-DNA positions 109 to 110, ACCT inserted.
Protein change: p.Leu37fs; shifts the reading frame from leucine 37.
Molecular consequence: frameshift variant.
Genome position: GRCh38 VCF-style: chrX-49077857-A-AAGGT. GRCh37 (hg19) VCF-style: chrX-48935516-A-AAGGT.
Other names: c.109_110insACCT, p.Leu37fs (NM_007075.4); short protein forms L37fs.
Identifiers: ClinVar variation 2743795 (VCV002743795.3), dbSNP rs2520266797, ClinGen allele CA2697553104.

ClinVar aggregate classification (germline): Pathogenic (1 of 4 stars; one submission).

Conditions:
Neurodegeneration with brain iron accumulation 5 (NBIA5). Also called: STATIC ENCEPHALOPATHY OF CHILDHOOD WITH NEURODEGENERATION IN ADULTHOOD; Beta-propeller protein-associated neurodegeneration. Identifiers: Orphanet 329284, MedGen C3550973, MONDO:0010476, OMIM 300894.

Submission:

Labcorp Genetics (formerly Invitae), Labcorp
Classification: Pathogenic for Neurodegeneration with brain iron accumulation 5. Last evaluated: 2023-07-16. Review status: criteria provided, single submitter. Criteria: Invitae Variant Classification Sherloc (09022015). Collection method: clinical testing. Allele origin: germline.
Comment: This variant has not been reported in the literature in individuals affected with WDR45-related conditions. This variant is not present in population databases (gnomAD no frequency). This sequence change creates a premature translational stop signal (p.Leu37Tyrfs*35) in the WDR45 gene. It is expected to result in an absent or disrupted protein product. Loss-of-function variants in WDR45 are known to be pathogenic (PMID: 23176820, 24368176, 24621584, 25744623, 26790960, 27030146, 27652284, 28554332). For these reasons, this variant has been classified as Pathogenic.

Literature cited by the submitters: PubMed 23176820; PubMed 24368176; PubMed 24621584; PubMed 25744623; PubMed 26790960; PubMed 27030146; PubMed 27652284; PubMed 28554332.